The following is an entry in ClinVar:

ClinVar aggregate classification (germline): Uncertain significance. Review status: criteria provided, multiple submitters, no conflicts (2 of 4 stars). 2 submissions from 2 submitters: Uncertain significance (2). Last evaluated 2023-07-07.

Conditions:
Early-onset progressive encephalopathy-hearing loss-pons hypoplasia-brain atrophy syndrome. Also called: ENCEPHALOPATHY, PROGRESSIVE, EARLY-ONSET, WITH BRAIN ATROPHY AND SPASTICITY. Identifiers: Orphanet 500144, MedGen C5567229, MONDO:0044696, OMIM 617669.

Allele frequency attached by ClinVar (database versions not stated): ExAC 0.00001; gnomAD exomes below 0.00001.
gnomAD v4.1: 2 of 1,614,088 alleles (0.00012%); highest among the groups gnomAD compares: South Asian, 0.0022%; no homozygotes.

Submissions (2):

Department of Medical Genetics, Sanjay Gandhi Post Graduate Institute of Medical Sciences
Classification: Uncertain significance for Early-onset progressive encephalopathy-hearing loss-pons hypoplasia-brain atrophy syndrome. Last evaluated: 2023-07-07. Review status: criteria provided, single submitter. Criteria: ACMG Guidelines, 2015. Collection method: research. Allele origin: maternal. Inheritance: Autosomal recessive inheritance. Affected: yes. Observed: 1 homozygote.
Comment: In chromosomal microarray analysis, an allele dropout was observed, which is likely the reason for the partial heterozygous deletion of the TRAPPC12 and ADI1 genes. A heterozygous deletion of 66 Kb at chromosome 2p25.3 was identified, involving two OMIM genes: TRAPPC12 and ADI1. Additionally, a previously reported homozygous missense variant (Chr2:3478860T>G) in exon 11 of the TRAPPC12 gene was detected, resulting in the substitution of leucine with arginine at codon 631 (NM_016030.6:c.1892T>G; p.Leu631Arg). According to ACMG guidelines, this variant is classified as a Variant of Uncertain Significance (VUS) with the following criteria: PM2, PM3, and PP3.

Kasturba Medical College, Manipal, Kasturba Medical College, Manipal, Manipal Academy of Higher Education, Manipal, India
Classification: Uncertain significance for Early-onset progressive encephalopathy-hearing loss-pons hypoplasia-brain atrophy syndrome. Review status: criteria provided, single submitter. Criteria: ACMG Guidelines, 2015. Collection method: clinical testing. Allele origin: inherited. Inheritance: Autosomal recessive inheritance. Affected: yes.

Literature cited by the submitters: PubMed 28777934 (cited by Department of Medical Genetics, Sanjay Gandhi Post Graduate Institute of Medical Sciences).

NM_016030.6(TRAPPC12):c.1892T>G (p.Leu631Arg)

Genes: TRAPPC12 (trafficking protein particle complex subunit 12; plus strand), TRAPPC12-AS1 (TRAPPC12 antisense RNA 1; minus strand). Cytogenetic location: 2p25.3.
Variant type: single nucleotide variant.
Coding change: c.1892T>G on transcript NM_016030.6 (MANE Select); coding-DNA position 1892, T replaced by G.
Protein change: p.Leu631Arg; replaces leucine 631 with arginine.
Molecular consequence: missense variant.
Genome position (GRCh38, 1-based): chr2:3,478,860, T>G. VCF-style: chr2-3478860-T-G. GRCh37 (hg19) VCF-style: chr2-3482631-T-G.
Other names: c.1892T>G, p.Leu631Arg (NM_001321102.2); short protein forms L631R.
Identifiers: ClinVar variation 1065828 (VCV001065828.5), dbSNP rs761982198, ClinGen allele CA1515711.